The following is an entry in ClinVar:

ClinVar aggregate classification (germline): Uncertain significance (1 of 4 stars; one submission).

Conditions:
Arrhythmogenic right ventricular dysplasia 11. Also called: ARRHYTHMOGENIC RIGHT VENTRICULAR DYSPLASIA, FAMILIAL, 11; Arrhythmogenic Right Ventricular Dysplasia/Cardiomyopathy11; Arrhythmogenic right ventricular dysplasia 11 with mild palmoplantar keratoderma and woolly hair. Identifiers: MedGen C1864850, MONDO:0012506, OMIM 610476.

Allele frequency attached by ClinVar (database versions not stated): gnomAD exomes below 0.00001; ExAC 0.00001.

Submission:

Labcorp Genetics (formerly Invitae), Labcorp
Classification: Uncertain significance for Arrhythmogenic right ventricular dysplasia 11. Last evaluated: 2023-10-03. Review status: criteria provided, single submitter. Criteria: Invitae Variant Classification Sherloc (09022015). Collection method: clinical testing. Allele origin: germline.
Comment: This sequence change replaces valine, which is neutral and non-polar, with isoleucine, which is neutral and non-polar, at codon 52 of the DSC2 protein (p.Val52Ile). This variant also falls at the last nucleotide of exon 2, which is part of the consensus splice site for this exon. This variant is present in population databases (rs757588306, gnomAD 0.0009%). This variant has not been reported in the literature in individuals affected with DSC2-related conditions. An algorithm developed to predict the effect of missense changes on protein structure and function (PolyPhen-2) suggests that this variant is likely to be disruptive. Variants that disrupt the consensus splice site are a relatively common cause of aberrant splicing (PMID: 17576681, 9536098). Algorithms developed to predict the effect of sequence changes on RNA splicing suggest that this variant may disrupt the consensus splice site. In summary, the available evidence is currently insufficient to determine the role of this variant in disease. Therefore, it has been classified as a Variant of Uncertain Significance.

Literature cited by the submitters: PubMed 17576681; PubMed 9536098.

NM_024422.6(DSC2):c.154G>A (p.Val52Ile)

Gene: DSC2 (desmocollin 2; minus strand). Cytogenetic location: 18q12.1.
Variant type: single nucleotide variant.
Coding change: c.154G>A on transcript NM_024422.6 (MANE Select); coding-DNA position 154, G replaced by A.
Protein change: p.Val52Ile; replaces valine 52 with isoleucine.
Molecular consequence: missense variant. On other transcripts: 5 prime UTR variant (2).
Genome position (GRCh38, 1-based): chr18:31,093,559, C>T on the plus strand (G>A on the coding strand, the complement: DSC2 is on the minus strand). VCF-style: chr18-31093559-C-T. GRCh37 (hg19) VCF-style: chr18-28673522-C-T.
Other names: c.-276G>A (NM_001406506.1, NM_001406507.1); c.154G>A, p.Val52Ile (NM_004949.5); short protein forms V52I.
Identifiers: ClinVar variation 2899364 (VCV002899364.3), dbSNP rs757588306, ClinGen allele CA032040.
Genomic context (GRCh38, chr18:31,093,559, plus strand): 5'-CCATGGCGTATATGTACCACAGCAAAACAGGATTTATTACAAATTTTAGGGCTTCCTTAC[C>T]TCTACCAACAAGTTTCTCGGCATCTAGTTTGGAGGGAACATGTAATGTCACATTTTTGCA-3'
Protein context (NP_077740.1, residues 42-62): KLDAEKLVGR[Val52Ile]NLKECFTAAN